The following is an entry in ClinVar:

NM_001267550.2(TTN):c.67491G>A (p.Trp22497Ter)

Genes: TTN-AS1 (TTN antisense RNA 1; plus strand), TTN (titin; minus strand), LOC126806423 (CDK7 strongly-dependent group 2 enhancer GRCh37_chr2:179443309-179444508; plus strand). Cytogenetic location: 2q31.2.
Variant type: single nucleotide variant.
Coding change: c.67491G>A on transcript NM_001267550.2 (MANE Select); coding-DNA position 67491, G replaced by A.
Protein change: p.Trp22497Ter; replaces tryptophan 22497 with a stop codon.
Molecular consequence: nonsense.
Genome position (GRCh38, 1-based): chr2:178,579,706, C>T on the plus strand (G>A on the coding strand, the complement: TTN is on the minus strand). VCF-style: chr2-178579706-C-T. GRCh37 (hg19) VCF-style: chr2-179444433-C-T.
Other names: c.62568G>A, p.Trp20856Ter (NM_001256850.1); c.40296G>A, p.Trp13432Ter (NM_003319.4); c.59787G>A, p.Trp19929Ter (NM_133378.4); c.40671G>A, p.Trp13557Ter (NM_133432.3); c.40872G>A, p.Trp13624Ter (NM_133437.4); short protein forms W13432*, W13557*, W13624*, W19929*, W20856*, W22497*.
Identifiers: ClinVar variation 3376653 (VCV003376653.1).

ClinVar aggregate classification (germline): Likely pathogenic (1 of 4 stars; one submission).

Conditions:
Dilated cardiomyopathy 1G (CMD1G). Identifiers: Orphanet 154, MedGen C1858763, MONDO:0011400, OMIM 604145.

gnomAD v4.1: 1 of 1,613,196 alleles (0.000062%); highest among the groups gnomAD compares: Non-Finnish European, 0.000085%; no homozygotes.

Submission:

Victorian Clinical Genetics Services, Murdoch Childrens Research Institute
Classification: Likely pathogenic for Dilated cardiomyopathy 1G. Last evaluated: 2024-09-19. Review status: criteria provided, single submitter. Criteria: ACMG Guidelines, 2015. Collection method: clinical testing. Allele origin: germline. Inheritance: Autosomal dominant inheritance. Affected: yes.
Comment: Based on the classification scheme VCGS_Germline_v1.3.4, this variant is classified as a Likely pathogenic. Following criteria are met: 0102 - Loss of function is known mechanism of disease in this gene. In addition, dominant-negative is also a suggested mechanism. (PMID: 25589632). (I) 0108 - This gene is associated with both recessive and dominant disease (OMIM). (I) 0112 - The condition associated with this gene has incomplete penetrance. Variants in this gene that result in a premature truncating codon (PTC) are known to have reduced penetrance in DCM (PMID: 25589632). (I) 0201 - Variant is predicted to cause nonsense-mediated decay (NMD) and loss of protein (premature termination codon is located at least 54 nucleotides upstream of the final exon-exon junction). (SP) 0251 - This variant is heterozygous. (I) 0301 - Variant is absent from gnomAD (both v2 and v3). (SP) 0600 - Variant is located in the annotated C-terminal A-band and the exon has a PSI score of 100 (PMID: 25589632). (I) 0702 - Other NMD-predicted variants comparable to the one identified in this case have strong previous evidence for pathogenicity (ClinVar). (SP) 0803 - This variant has limited previous evidence of pathogenicity in an unrelated individual. It has been observed in a large cohort study, however no phenotype details provided (PMID: 31216868). In addition, the same amino acid change from a different nucleotide change (c.67490G>A) has been reported as likely pathogenic by a clinical testing laboratory in an individual with progressive muscle weakness (ClinVar, personal communication). (SP) 0905 - No published segregation evidence has been identified for this variant. (I) 1007 - No published functional evidence has been identified for this variant. (I) 1208 - Inheritance information for this variant is not currently available in this individual. (I) Legend: (SP) - Supporting pathogenic, (I) - Information, (SB) - Supporting benign

Literature cited by the submitters: PubMed 25589632; PubMed 31216868.